The following is an entry in ClinVar:

NM_001267550.2(TTN):c.72669del (p.Asp24224fs)

Genes: TTN (titin; minus strand), TTN-AS1 (TTN antisense RNA 1; plus strand). Cytogenetic location: 2q31.2.
Variant type: Deletion.
Coding change: c.72669del on transcript NM_001267550.2 (MANE Select); coding-DNA position 72669, one base deleted (T; older notation c.72669delT).
Protein change: p.Asp24224fs; shifts the reading frame from aspartic acid 24224.
Molecular consequence: frameshift variant.
Genome position (GRCh38, 1-based): chr2:178,573,463, A deleted on the plus strand (T on the coding strand, the reverse complement: TTN is on the minus strand). VCF-style (leftmost placement, unchanged base first): chr2-178573462-CA-C. GRCh37 (hg19) VCF-style: chr2-179438189-CA-C.
Other names: c.67746del, p.Asp22583fs (NM_001256850.1); c.45474del, p.Asp15159fs (NM_003319.4); c.64965del, p.Asp21656fs (NM_133378.4); c.45849del, p.Asp15284fs (NM_133432.3); c.46050del, p.Asp15351fs (NM_133437.4); c.64965delT (NM_133378.4); c.72669delT (NM_001267550.2); c.45474delT (NM_003319.4); short protein forms D21656fs, D22583fs, D15159fs, D15284fs, D15351fs, D24224fs.
Identifiers: ClinVar variation 178908 (VCV000178908.19), dbSNP rs727504531, ClinGen allele CA273566.

ClinVar aggregate classification (germline): Pathogenic/Likely pathogenic. Review status: criteria provided, multiple submitters, no conflicts (2 of 4 stars). 6 submissions from 6 submitters: Pathogenic (3); Likely pathogenic (2). 1 of the submissions does not count toward it. Last evaluated 2025-12-12.

Conditions:
Cardiovascular phenotype. Identifiers: MedGen CN230736.
Primary dilated cardiomyopathy (DCM). Also called: Dilated Cardiomyopathy. Identifiers: Orphanet 217604, MedGen C0007193, MeSH D002311, MONDO:0005021, HP:0001644. Inheritance: Various modes of inheritance.
TTN-related disorder. Also called: TTN-related condition; TTN-related disease; TTN-related disorders.
Autosomal recessive limb-girdle muscular dystrophy type 2J (LGMDR10). Also called: Limb-girdle muscular dystrophy, type 2J; MUSCULAR DYSTROPHY, LIMB-GIRDLE, AUTOSOMAL RECESSIVE 10. Identifiers: Orphanet 140922, MedGen C1837342, MONDO:0012127, OMIM 608807.
Dilated cardiomyopathy 1G (CMD1G). Identifiers: Orphanet 154, MedGen C1858763, MONDO:0011400, OMIM 604145.

Allele frequency attached by ClinVar (database versions not stated): gnomAD exomes below 0.00001 and 0.00001.

Submissions (6):

Ambry Genetics
Classification: Pathogenic for Cardiovascular phenotype. Last evaluated: 2025-12-12. Review status: criteria provided, single submitter. Criteria: Ambry Variant Classification Scheme 2023. Collection method: clinical testing. Allele origin: germline.
Comment: The c.45474delT variant, located in coding exon 153 of the TTN gene, results from a deletion of one nucleotide at nucleotide position 45474, causing a translational frameshift with a predicted alternate stop codon (p.D15159Ifs*8). This exon is located in the A-band region of the N2-B isoform of the titin protein and is constitutively expressed in TTN transcripts (percent spliced in or PSI 100%). This variant was reported in individual(s) with features consistent with dilated cardiomyopathy (Herman DS et al. N Engl J Med, 2012 Feb;366:619-28). Note, this variant is also referred to as c.67745delT p.Pro22582fs in the literature. This variant is considered to be rare based on population cohorts in the Genome Aggregation Database (gnomAD). This variant is expected to result in loss of function by premature protein truncation or nonsense-mediated mRNA decay. While truncating variants in TTN are present in 1-3% of the general population, truncating variants in the A-band are the most common cause of dilated cardiomyopathy (Herman DS et al. N. Engl. J. Med., 2012 Feb;366:619-28; Roberts AM et al. Sci Transl Med, 2015 Jan;7:270ra6). TTN truncating variants encoded in constitutive exons (PSI >90%) have been found to be significantly associated with DCM regardless of their position in titin (Schafer S et al. Nat. Genet., 2017 01;49:46-53; Akhtar MM et al. Circ Heart Fail, 2020 Oct;13:e006832; Massier M et al. Clin Genet, 2025 Jan). Based on the supporting evidence, this variant is interpreted as a disease-causing mutation.

Labcorp Genetics (formerly Invitae), Labcorp
Classification: Pathogenic for Dilated cardiomyopathy 1G; Autosomal recessive limb-girdle muscular dystrophy type 2J. Last evaluated: 2025-04-19. Review status: criteria provided, single submitter. Criteria: Invitae Variant Classification Sherloc (09022015). Collection method: clinical testing. Allele origin: germline.
Comment: This sequence change creates a premature translational stop signal (p.Asp24224Ilefs*8) in the TTN gene. While this is not anticipated to result in nonsense mediated decay, it is expected to create a truncated TTN protein. This variant is present in population databases (rs727504531, gnomAD 0.006%). This premature translational stop signal has been observed in individuals with dilated cardiomyopathy (PMID: 22335739). It has also been observed to segregate with disease in related individuals. This variant is also known as c.67745delT. ClinVar contains an entry for this variant (Variation ID: 178908). This variant is located in the A band of TTN (PMID: 25589632). Truncating variants in this region are significantly overrepresented in patients affected with dilated cardiomyopathy (PMID: 25589632). Truncating variants in this region have also been reported in individuals affected with autosomal recessive centronuclear myopathy (PMID: 23975875). For these reasons, this variant has been classified as Pathogenic.

Provincial Medical Genetics Program of British Columbia, University of British Columbia
Classification: Pathogenic for Dilated cardiomyopathy 1G. Last evaluated: 2022-01-01. Review status: criteria provided, single submitter. Criteria: ACMG Guidelines, 2015. Collection method: clinical testing. Allele origin: germline. Affected: yes.

Blueprint Genetics
Classification: Likely pathogenic for TTN-related disorders. Last evaluated: 2021-06-02. Review status: criteria provided, single submitter. Criteria: ACMG Guidelines, 2015. Collection method: clinical testing. Allele origin: germline. Affected: yes. Observed: 2 variant alleles.

Laboratory for Molecular Medicine, Mass General Brigham Personalized Medicine
Classification: Likely pathogenic for Primary dilated cardiomyopathy. Last evaluated: 2015-03-13. Review status: criteria provided, single submitter. Criteria: LMM Criteria. Collection method: clinical testing. Allele origin: germline. Inheritance: Autosomal dominant inheritance. Observed: 1 variant allele.
Comment: The p.Asp21656fs variant in TTN has been previously reported in 1 adolescent wit h DCM and segregated with disease in 3 affected family members (reported as c.67 746delT, p.Pro22582fs, Herman 2012). Data from large population studies is insuf ficient to assess its frequency in the general population. This variant is predi cted to cause a frameshift, which alters the protein?s amino acid sequence begin ning at position 21656 and leads to a premature termination codon 8 amino acids downstream. This alteration is then predicted to lead to a truncated or absent p rotein. Frameshift and other truncating variants in TTN are strongly associated with DCM, particularly if they are located in the exons encoding for the A-band region of the protein (Herman 2012, Pugh 2014), where this variant is located. I n summary, although additional studies are required to fully establish its clini cal significance, the p.Asp21656fs variant is likely pathogenic.

University of Washington Center for Mendelian Genomics, University of Washington
Classification: Uncertain significance for Dilated Cardiomyopathy. Review status: no assertion criteria provided. Collection method: research. Allele origin: inherited. Affected: yes. Not counted in ClinVar's aggregate classification.

Literature cited by the submitters: PubMed 22335739 (cited by 3 submitters); PubMed 25589632 (cited by Labcorp Genetics (formerly Invitae), Labcorp); PubMed 23975875 (cited by Labcorp Genetics (formerly Invitae), Labcorp); PubMed 30012837 (cited by University of Washington Center for Mendelian Genomics, University of Washington).